The following is an entry in ClinVar:

ClinVar aggregate classification (germline): Uncertain significance. Review status: criteria provided, multiple submitters, no conflicts (2 of 4 stars). 4 submissions from 4 submitters: Uncertain significance (4). Last evaluated 2025-07-24.

Conditions:
Neutral lipid storage myopathy (NLSDM). Also called: NEUTRAL LIPID STORAGE DISEASE WITHOUT ICHTHYOSIS. Identifiers: MedGen C1853136, MONDO:0012545, OMIM 610717, Orphanet 98908.

Allele frequency attached by ClinVar (database versions not stated): ExAC below 0.00001; gnomAD 0.00001 and 0.00007; gnomAD exomes 0.00001; TOPMed 0.00001; ESP Exome Variant Server 0.00008.
gnomAD v4.1: 31 of 1,553,796 alleles (0.002%); highest among the groups gnomAD compares: South Asian, 0.012%; no homozygotes.

Submissions (4):

GeneDx
Classification: Uncertain significance. Last evaluated: 2025-07-24. Review status: criteria provided, single submitter. Criteria: GeneDx Variant Classification Process June 2021. Collection method: clinical testing. Allele origin: germline. Affected: yes.
Comment: Not observed at significant frequency in large population cohorts (gnomAD); In silico analysis suggests that this variant does not alter splicing; Has not been previously published as pathogenic or benign to our knowledge

Revvity Omics, Revvity
Classification: Uncertain significance for Neutral lipid storage myopathy. Last evaluated: 2024-01-23. Review status: criteria provided, single submitter. Criteria: ACMG Guidelines, 2015. Collection method: clinical testing. Allele origin: germline.

Labcorp Genetics (formerly Invitae), Labcorp
Classification: Uncertain significance for Neutral lipid storage myopathy. Last evaluated: 2022-03-08. Review status: criteria provided, single submitter. Criteria: Invitae Variant Classification Sherloc (09022015). Collection method: clinical testing. Allele origin: germline.
Comment: This variant has not been reported in the literature in individuals affected with PNPLA2-related conditions. This sequence change falls in intron 9 of the PNPLA2 gene. It does not directly change the encoded amino acid sequence of the PNPLA2 protein. It affects a nucleotide within the consensus splice site. This variant is not present in population databases (gnomAD no frequency). ClinVar contains an entry for this variant (Variation ID: 659207). Variants that disrupt the consensus splice site are a relatively common cause of aberrant splicing (PMID: 17576681, 9536098). Algorithms developed to predict the effect of sequence changes on RNA splicing suggest that this variant is not likely to affect RNA splicing. In summary, the available evidence is currently insufficient to determine the role of this variant in disease. Therefore, it has been classified as a Variant of Uncertain Significance.

Fulgent Genetics
Classification: Uncertain significance for Neutral lipid storage myopathy. Last evaluated: 2021-12-22. Review status: criteria provided, single submitter. Criteria: ACMG Guidelines, 2015. Collection method: clinical testing. Allele origin: unknown.

Literature cited by the submitters: PubMed 17576681 (cited by Labcorp Genetics (formerly Invitae), Labcorp); PubMed 9536098 (cited by Labcorp Genetics (formerly Invitae), Labcorp).

NM_020376.4(PNPLA2):c.1175+3G>A

Gene: PNPLA2 (patatin like domain 2, triacylglycerol lipase; plus strand). Cytogenetic location: 11p15.5.
Variant type: single nucleotide variant.
Coding change: c.1175+3G>A on transcript NM_020376.4 (MANE Select); 3 bases into the intron after coding-DNA position 1175, G replaced by A.
Molecular consequence: intron variant.
Genome position (GRCh38, 1-based): chr11:824,439, G>A. VCF-style: chr11-824439-G-A. GRCh37 (hg19) VCF-style: chr11-824439-G-A.
Identifiers: ClinVar variation 659207 (VCV000659207.8), dbSNP rs372368030, ClinGen allele CA5791317.